The following is an entry in ClinVar:

NM_007078.3(LDB3):c.997T>A (p.Ser333Thr)

Gene: LDB3 (LIM domain binding 3; plus strand). Cytogenetic location: 10q23.2.
Variant type: single nucleotide variant.
Coding change: c.997T>A on transcript NM_007078.3 (MANE Select); coding-DNA position 997, T replaced by A.
Protein change: p.Ser333Thr; replaces serine 333 with threonine.
Molecular consequence: missense variant. On other transcripts: intron variant (4).
Genome position (GRCh38, 1-based): chr10:86,706,631, T>A. VCF-style: chr10-86706631-T-A. GRCh37 (hg19) VCF-style: chr10-88466388-T-A.
Other names: c.856T>A, p.Ser286Thr (NM_001368066.1); c.897-3274T>A (NM_001368064.1, NM_001368065.1); c.1101-3274T>A (NM_001171610.2); c.756-3274T>A (NM_001080114.2); short protein forms S286T, S333T.
Identifiers: ClinVar variation 4841945 (VCV004841945.3).

ClinVar aggregate classification (germline): Conflicting classifications of pathogenicity. Review status: criteria provided, conflicting classifications (1 of 4 stars). 2 submissions from 2 submitters: Uncertain significance (1); Likely benign (1). Last evaluated 2026-02-18.

Conditions:
Cardiovascular phenotype. Identifiers: MedGen CN230736.

gnomAD v4.1: 6 of 1,613,118 alleles (0.00037%); highest among the groups gnomAD compares: Non-Finnish European, 0.00042%; no homozygotes.

Submissions (2):

Dasa
Classification: Uncertain significance. Last evaluated: 2026-02-18. Review status: criteria provided, single submitter. Criteria: DASA Assertion Criteria. Collection method: clinical testing. Allele origin: germline.
Comment: NM_007078.3(LDB3):c.997T>A (p.Ser333Thr) is a missense variant that results in the substitution of serine with threonine. This variant is rare in population databases. Computational prediction algorithms are consistent with a benign effect. The currently available literature and clinical evidence are not sufficient to establish a definitive association between this variant and the reported condition. Therefore, this variant is classified as a variant of uncertain significance.

Ambry Genetics
Classification: Likely benign for Cardiovascular phenotype. Last evaluated: 2026-02-10. Review status: criteria provided, single submitter. Criteria: Ambry Variant Classification Scheme 2023. Collection method: clinical testing. Allele origin: germline.

Literature cited by the submitters: PubMed 36252119 (cited by Ambry Genetics).